The following is an entry in ClinVar:

ClinVar aggregate classification (germline): Uncertain significance. Review status: criteria provided, multiple submitters, no conflicts (2 of 4 stars). 2 submissions from 2 submitters: Uncertain significance (2). Last evaluated 2025-03-27.

Conditions:
Inborn genetic diseases. Identifiers: MedGen C0950123, MeSH D030342.
Nephronophthisis 15 (NPHP15). Identifiers: Orphanet 3156, MedGen C3541853, MONDO:0013917, OMIM 614845.

Submissions (2):

Ambry Genetics
Classification: Uncertain significance for Inborn genetic diseases. Last evaluated: 2025-03-27. Review status: criteria provided, single submitter. Criteria: Ambry Variant Classification Scheme 2023. Collection method: clinical testing. Allele origin: germline.

Labcorp Genetics (formerly Invitae), Labcorp
Classification: Uncertain significance for Nephronophthisis 15. Last evaluated: 2024-10-17. Review status: criteria provided, single submitter. Criteria: Invitae Variant Classification Sherloc (09022015). Collection method: clinical testing. Allele origin: germline.
Comment: This sequence change replaces glycine, which is neutral and non-polar, with arginine, which is basic and polar, at codon 1263 of the CEP164 protein (p.Gly1263Arg). This variant is not present in population databases (gnomAD no frequency). This variant has not been reported in the literature in individuals affected with CEP164-related conditions. ClinVar contains an entry for this variant (Variation ID: 1496787). Invitae Evidence Modeling of protein sequence and biophysical properties (such as structural, functional, and spatial information, amino acid conservation, physicochemical variation, residue mobility, and thermodynamic stability) indicates that this missense variant is not expected to disrupt CEP164 protein function with a negative predictive value of 80%. In summary, the available evidence is currently insufficient to determine the role of this variant in disease. Therefore, it has been classified as a Variant of Uncertain Significance.

NM_014956.5(CEP164):c.3787G>C (p.Gly1263Arg)

Gene: CEP164 (centrosomal protein 164; plus strand). Cytogenetic location: 11q23.3.
Variant type: single nucleotide variant.
Coding change: c.3787G>C on transcript NM_014956.5 (MANE Select); coding-DNA position 3787, G replaced by C.
Protein change: p.Gly1263Arg; replaces glycine 1263 with arginine.
Molecular consequence: missense variant.
Genome position (GRCh38, 1-based): chr11:117,409,656, G>C. VCF-style: chr11-117409656-G-C. GRCh37 (hg19) VCF-style: chr11-117280372-G-C.
Other names: c.3772G>C, p.Gly1258Arg (NM_001271933.2); c.3787G>C (NM_014956.4); short protein forms G1263R, G1258R.
Identifiers: ClinVar variation 1496787 (VCV001496787.9), dbSNP rs748443825, ClinGen allele CA382743536.